The following is an entry in ClinVar:

ClinVar aggregate classification (germline): Pathogenic/Likely pathogenic. Review status: criteria provided, multiple submitters, no conflicts (2 of 4 stars). 5 submissions from 5 submitters: Pathogenic (4); Likely pathogenic (1). Last evaluated 2025-08-05.

Conditions:
Hereditary cancer-predisposing syndrome. Also called: Neoplastic Syndromes, Hereditary; Hereditary Cancer Syndrome; Tumor predisposition; Hereditary neoplastic syndrome. Identifiers: Orphanet 140162, MedGen C0027672, MeSH D009386, MONDO:0015356.
Ataxia-telangiectasia syndrome (AT). Also called: LOUIS-BAR SYNDROME; Cerebello-oculocutaneous telangiectasia; Immunodeficiency with ataxia telangiectasia; Ataxia-telangiectasia, complementation group D; AT, COMPLEMENTATION GROUP C; Ataxia-telangiectasia, complementation group E. Identifiers: Orphanet 100, MedGen C0004135, MONDO:0008840, OMIM 208900.
Familial cancer of breast. Also called: Hereditary breast cancer; BREAST CANCER, FAMILIAL; hereditary breast carcinoma. Identifiers: Orphanet 227535, MedGen C0346153, MONDO:0016419, OMIM 114480. Disease mechanism: loss of function.

Submissions (5):

Labcorp Genetics (formerly Invitae), Labcorp
Classification: Pathogenic for Ataxia-telangiectasia syndrome. Last evaluated: 2025-08-05. Review status: criteria provided, single submitter. Criteria: Invitae Variant Classification Sherloc (09022015). Collection method: clinical testing. Allele origin: germline.
Comment: This sequence change creates a premature translational stop signal (p.Glu2977Argfs*2) in the ATM gene. It is expected to result in an absent or disrupted protein product. Loss-of-function variants in ATM are known to be pathogenic (PMID: 23807571, 25614872). This variant is not present in population databases (gnomAD no frequency). This variant has not been reported in the literature in individuals affected with ATM-related conditions. ClinVar contains an entry for this variant (Variation ID: 479020). For these reasons, this variant has been classified as Pathogenic.

GeneKor MSA
Classification: Pathogenic for Hereditary cancer-predisposing syndrome. Last evaluated: 2025-05-15. Review status: criteria provided, single submitter. Criteria: ACMG Guidelines, 2015. Collection method: clinical testing. Allele origin: germline.
Comment: This variant is a four nucleotide insertion in exon 61 of the ATM mRNA c.(8925_8928dup). This creates a premature translational stop signal 2 amino acid residues later p.(Glu2977Argfs*2) and is expected to result in an absent or non-functional protein product. Loss-of-function variants in ATM are known to be pathogenic (PMID:23807571, 25614872). This variant is present in population databases (rs1555151395). This duplication has not been reported in international literature in individuals with ATM-related disorders. The mutation database ClinVar contains entries for this variant (VCV000479020.12). Based on the classification criteria set by the ACMG and AMP (PMID:25741868) this variant has been classified as pathogenic.

Natera, Inc.
Classification: Likely pathogenic for Ataxia-telangiectasia. Last evaluated: 2024-11-13. Review status: criteria provided, single submitter. Criteria: Natera Variant Classification Schema (03/2026). Collection method: clinical testing. Allele origin: germline.
Comment: The c.8925_8928dup variant in ATM is a frameshift variant predicted to shift the reading frame beginning at codon 2977 and leads to a stop codon 2 codons downstream. This variant is expected to result in nonsense mediated decay, truncation, or a dysfunctional protein product. This variant is rare in the general population with a frequency below the threshold expected for the associated phenotype(s). Given the available evidence, this variant is classified as Likely Pathogenic.

Ambry Genetics
Classification: Pathogenic for Hereditary cancer-predisposing syndrome. Last evaluated: 2024-05-22. Review status: criteria provided, single submitter. Criteria: Ambry Variant Classification Scheme 2023. Collection method: clinical testing. Allele origin: germline.
Comment: The c.8925_8928dupAGAT pathogenic mutation, located in coding exon 61 of the ATM gene, results from a duplication of AGAT at nucleotide position 8925, causing a translational frameshift with a predicted alternate stop codon (p.E2977Rfs*2). This variant is considered to be rare based on population cohorts in the Genome Aggregation Database (gnomAD). This alteration is expected to result in loss of function by premature protein truncation or nonsense-mediated mRNA decay. As such, this alteration is interpreted as a disease-causing mutation.

Myriad Genetics, Inc.
Classification: Pathogenic for Familial cancer of breast. Last evaluated: 2024-02-06. Review status: criteria provided, single submitter. Criteria: Myriad Autosomal Dominant, Autosomal Recessive and X-Linked Classification Criteria (2023). Collection method: clinical testing. Allele origin: unknown.
Comment: This variant is considered pathogenic. This variant creates a frameshift predicted to result in premature protein truncation.

Literature cited by the submitters: PubMed 23807571 (cited by Labcorp Genetics (formerly Invitae), Labcorp and GeneKor MSA); PubMed 25614872 (cited by Labcorp Genetics (formerly Invitae), Labcorp and GeneKor MSA).

NM_000051.4(ATM):c.8925_8928dup (p.Glu2977delinsArgTer)

Genes: ATM (ATM serine/threonine kinase; plus strand), C11orf65 (chromosome 11 open reading frame 65; minus strand). Cytogenetic location: 11q22.3.
Variant type: Duplication.
Coding change: c.8925_8928dup on transcript NM_000051.4 (MANE Select); coding-DNA positions 8925 to 8928, 4 bases duplicated (AGAT; older notation c.8925_8928dupAGAT).
Protein change: p.Glu2977delinsArgTer.
Molecular consequence: nonsense. On other transcripts: intron variant (2), frameshift variant (1).
Genome position (GRCh38, 1-based): chr11:108,365,156-108,365,159, AGAT duplicated. VCF-style (leftmost placement, unchanged base first): chr11-108365155-A-AAGAT. GRCh37 (hg19) VCF-style: chr11-108235882-A-AAGAT.
Other names: c.8925_8928dup, p.Glu2977delinsArgTer (NM_001351834.2); c.640+20761_640+20764dup (NM_001330368.2); c.694+20761_694+20764dup (NM_001351110.2); c.8925_8928dupAGAT (NM_000051.3).
Identifiers: ClinVar variation 479020 (VCV000479020.14), dbSNP rs1555151395, ClinGen allele CA658656277.